The following is an entry in ClinVar:

NM_001385641.1(SAMD11):c.2053+3G>T

Gene: SAMD11 (sterile alpha motif domain containing 11; plus strand). Cytogenetic location: 1p36.33.
Variant type: single nucleotide variant.
Coding change: c.2053+3G>T on transcript NM_001385641.1 (MANE Select); 3 bases into the intron after coding-DNA position 2053, G replaced by T.
Molecular consequence: intron variant.
Genome position (GRCh38, 1-based): chr1:943,061, G>T. VCF-style: chr1-943061-G-T. GRCh37 (hg19) VCF-style: chr1-878441-G-T.
Other names: c.2056+3G>T (NM_001385640.1); c.1564+3G>T (NM_152486.4).
Identifiers: ClinVar variation 2101119 (VCV002101119.4), dbSNP rs767019641, ClinGen allele CA520638563.

ClinVar aggregate classification (germline): Uncertain significance (1 of 4 stars; one submission).

Submission:

Labcorp Genetics (formerly Invitae), Labcorp
Classification: Uncertain significance. Last evaluated: 2022-08-23. Review status: criteria provided, single submitter. Criteria: Invitae Variant Classification Sherloc (09022015). Collection method: clinical testing. Allele origin: germline.
Comment: This variant has not been reported in the literature in individuals affected with SAMD11-related conditions. The frequency data for this variant in the population databases is considered unreliable, as metrics indicate poor data quality at this position in the gnomAD database. This sequence change falls in intron 11 of the SAMD11 gene. It does not directly change the encoded amino acid sequence of the SAMD11 protein. It affects a nucleotide within the consensus splice site. Variants that disrupt the consensus splice site are a relatively common cause of aberrant splicing (PMID: 17576681, 9536098). Algorithms developed to predict the effect of sequence changes on RNA splicing suggest that this variant is not likely to affect RNA splicing. In summary, the available evidence is currently insufficient to determine the role of this variant in disease. Therefore, it has been classified as a Variant of Uncertain Significance.

Literature cited by the submitters: PubMed 17576681; PubMed 9536098.